The following is an entry in ClinVar:

ClinVar aggregate classification (germline): Likely benign (0 of 4 stars; one submission).

Conditions:
ARMC5-related disorder. Also called: ARMC5-related condition.

Allele frequency attached by ClinVar (database versions not stated): ExAC 0.00028; 1000 Genomes Project 30x 0.00031; gnomAD 0.00082; TOPMed 0.00094.
gnomAD v4.1: 226 of 1,540,690 alleles (0.015%); highest among the groups gnomAD compares: African/African-American, 0.29%; no homozygotes.

Submission:

PreventionGenetics, part of Exact Sciences
Classification: Likely benign for ARMC5-related condition. Last evaluated: 2021-12-06. Review status: no assertion criteria provided. Collection method: clinical testing. Allele origin: germline.
Comment: This variant is classified as likely benign based on ACMG/AMP sequence variant interpretation guidelines (Richards et al. 2015 PMID: 25741868, with internal and published modifications).

NM_001105247.2(ARMC5):c.257A>T (p.Gln86Leu)

Genes: ARMC5 (armadillo repeat containing 5; plus strand), LOC130058906 (ATAC-STARR-seq lymphoblastoid silent region 7419; plus strand). Cytogenetic location: 16p11.2.
Variant type: single nucleotide variant.
Coding change: c.257A>T on transcript NM_001105247.2 (MANE Select); coding-DNA position 257, A replaced by T.
Protein change: p.Gln86Leu; replaces glutamine 86 with leucine.
Molecular consequence: missense variant.
Genome position (GRCh38, 1-based): chr16:31,459,781, A>T. VCF-style: chr16-31459781-A-T. GRCh37 (hg19) VCF-style: chr16-31471102-A-T.
Other names: c.542A>T, p.Gln181Leu (NM_001288767.2); c.353A>T, p.Gln118Leu (NM_001301820.1); c.257A>T, p.Gln86Leu (NM_024742.2); short protein forms Q118L, Q181L, Q86L.
Identifiers: ClinVar variation 3052195 (VCV003052195.2), dbSNP rs750844063, ClinGen allele CA8029385.